The following is an entry in ClinVar:

ClinVar aggregate classification (germline): Uncertain significance (1 of 4 stars; one submission).

Allele frequency attached by ClinVar (database versions not stated): gnomAD 0.00001; gnomAD exomes 0.00001; TOPMed 0.00002.
gnomAD v4.1: 20 of 1,584,096 alleles (0.0013%); highest among the groups gnomAD compares: Admixed American, 0.0033%; no homozygotes.

Submission:

Ambry Genetics
Classification: Uncertain significance. Last evaluated: 2022-01-07. Review status: criteria provided, single submitter. Criteria: Ambry Variant Classification Scheme 2023. Collection method: clinical testing. Allele origin: germline.
Comment: The p.R1108W variant (also known as c.3322C>T), located in coding exon 20 of the PKP4 gene, results from a C to T substitution at nucleotide position 3322. The arginine at codon 1108 is replaced by tryptophan, an amino acid with dissimilar properties. This amino acid position is conserved. In addition, this alteration is predicted to be deleterious by in silico analysis. Since supporting evidence is limited at this time, the clinical significance of this alteration remains unclear.

NM_003628.6(PKP4):c.3322C>T (p.Arg1108Trp)

Genes: PKP4 (plakophilin 4; plus strand), PKP4-AS1 (PKP4 antisense RNA 1; minus strand). Cytogenetic location: 2q24.1.
Variant type: single nucleotide variant.
Coding change: c.3322C>T on transcript NM_003628.6 (MANE Select); coding-DNA position 3322, C replaced by T.
Protein change: p.Arg1108Trp; replaces arginine 1108 with tryptophan.
Molecular consequence: missense variant.
Genome position (GRCh38, 1-based): chr2:158,678,646, C>T. VCF-style: chr2-158678646-C-T. GRCh37 (hg19) VCF-style: chr2-159535158-C-T.
Other names: c.3193C>T, p.Arg1065Trp (NM_001005476.4, NM_001377225.1); c.3319C>T, p.Arg1107Trp (NM_001304969.3, NM_001377219.1, NM_001377220.1 and 1 more transcripts); c.2293C>T, p.Arg765Trp (NM_001304970.3); c.3322C>T, p.Arg1108Trp (NM_001377218.1); c.3316C>T, p.Arg1106Trp (NM_001377222.1, NM_001377223.1); c.3313C>T, p.Arg1105Trp (NM_001377224.1); c.3190C>T, p.Arg1064Trp (NM_001377226.1); short protein forms R1065W, R1107W, R1108W, R1064W, R1106W, R765W, R1105W.
Identifiers: ClinVar variation 1730215 (VCV001730215.2), dbSNP rs1301343976, ClinGen allele CA348908744.